The following is an entry in ClinVar:

ClinVar aggregate classification (germline): Uncertain significance (1 of 4 stars; one submission).

Conditions:
Congenital disorder of deglycosylation (CDDG). Identifiers: MedGen C3808991, MONDO:0031376.

Allele frequency attached by ClinVar (database versions not stated): TOPMed below 0.00001.

Submission:

Labcorp Genetics (formerly Invitae), Labcorp
Classification: Uncertain significance for Congenital disorder of deglycosylation. Last evaluated: 2022-07-26. Review status: criteria provided, single submitter. Criteria: Invitae Variant Classification Sherloc (09022015). Collection method: clinical testing. Allele origin: germline.
Comment: This sequence change replaces valine, which is neutral and non-polar, with isoleucine, which is neutral and non-polar, at codon 122 of the NGLY1 protein (p.Val122Ile). This variant is not present in population databases (gnomAD no frequency). This variant has not been reported in the literature in individuals affected with NGLY1-related conditions. ClinVar contains an entry for this variant (Variation ID: 964458). Algorithms developed to predict the effect of missense changes on protein structure and function output the following: SIFT: "Tolerated"; PolyPhen-2: "Benign"; Align-GVGD: "Class C0". The isoleucine amino acid residue is found in multiple mammalian species, which suggests that this missense change does not adversely affect protein function. In summary, the available evidence is currently insufficient to determine the role of this variant in disease. Therefore, it has been classified as a Variant of Uncertain Significance.

NM_018297.4(NGLY1):c.364G>A (p.Val122Ile)

Gene: NGLY1 (N-glycanase 1; minus strand). Cytogenetic location: 3p24.2.
Variant type: single nucleotide variant.
Coding change: c.364G>A on transcript NM_018297.4 (MANE Select); coding-DNA position 364, G replaced by A.
Protein change: p.Val122Ile; replaces valine 122 with isoleucine.
Molecular consequence: missense variant.
Genome position (GRCh38, 1-based): chr3:25,764,194, C>T on the plus strand (G>A on the coding strand, the complement: NGLY1 is on the minus strand). VCF-style: chr3-25764194-C-T. GRCh37 (hg19) VCF-style: chr3-25805685-C-T.
Other names: c.364G>A, p.Val122Ile (NM_001145293.2, NM_001145295.2); c.238G>A, p.Val80Ile (NM_001145294.2); short protein forms V122I, V80I.
Identifiers: ClinVar variation 964458 (VCV000964458.4), dbSNP rs1707449249, ClinGen allele CA351909079.